The following is an entry in ClinVar:

ClinVar aggregate classification (germline): Benign/Likely benign. Review status: criteria provided, multiple submitters, no conflicts (2 of 4 stars). 17 submissions from 17 submitters: Benign (7); Likely benign (5). 5 of the submissions do not count toward it. Last evaluated 2026-08-01.

Conditions:
Distal myopathy with posterior leg and anterior hand involvement. Also called: WILLIAMS DISTAL MYOPATHY. Identifiers: Orphanet 63273, MedGen C3279722, MONDO:0013550, OMIM 614065.
Hypertrophic cardiomyopathy 26. Also called: Cardiomyopathy, familial hypertrophic, 26. Identifiers: Orphanet 75249, MedGen C4310749, MONDO:0014883, OMIM 617047.
Myofibrillar myopathy 5. Also called: Filaminopathy (type); FILAMINOPATHY, AUTOSOMAL DOMINANT. Identifiers: Orphanet 171445, MedGen C1836050, MONDO:0012289, OMIM 609524.
Cardiovascular phenotype. Identifiers: MedGen CN230736.

Allele frequency attached by ClinVar (database versions not stated): TOPMed 0.00134; gnomAD 0.00138 and 0.00160; ESP Exome Variant Server 0.00141; gnomAD exomes 0.00218 and 0.00231; ExAC 0.00233; 1000 Genomes Project 30x 0.00250; 1000 Genomes Project 0.00300.
gnomAD v4.1: 3,410 of 1,614,216 alleles (0.21%); highest among the groups gnomAD compares: South Asian, 0.96%; 20 homozygotes.

Submissions (17):

CeGaT Center for Human Genetics Tuebingen
Classification: Benign. Last evaluated: 2026-08-01. Review status: criteria provided, single submitter. Criteria: CeGaT Center For Human Genetics Tuebingen Variant Classification Criteria Version 2. Collection method: clinical testing. Allele origin: germline. Affected: yes. Observed: 13 variant alleles.
Comment: FLNC: BP4, BS1, BS2

Molecular Diagnostic Laboratory for Inherited Cardiovascular Disease, Montreal Heart Institute
Classification: Likely benign. Last evaluated: 2026-03-27. Review status: criteria provided, single submitter. Criteria: ACMG Guidelines, 2015. Collection method: clinical testing. Allele origin: germline. Affected: no.
Comment: BS1;BP4

Labcorp Genetics (formerly Invitae), Labcorp
Classification: Benign for Distal myopathy with posterior leg and anterior hand involvement; Myofibrillar myopathy 5; Hypertrophic cardiomyopathy 26. Last evaluated: 2026-02-03. Review status: criteria provided, single submitter. Criteria: Invitae Variant Classification Sherloc (09022015). Collection method: clinical testing. Allele origin: germline.

Mayo Clinic Laboratories, Mayo Clinic
Classification: Benign. Last evaluated: 2025-09-26. Review status: criteria provided, single submitter. Criteria: ACMG Guidelines, 2015. Collection method: clinical testing. Allele origin: germline. Observed: 4 variant alleles.
Comment: BA1, BP4

ARUP Laboratories, Molecular Genetics and Genomics, ARUP Laboratories
Classification: Likely benign. Last evaluated: 2025-04-28. Review status: criteria provided, single submitter. Criteria: ARUP Molecular Germline Variant Investigation Process 2024. Collection method: clinical testing. Allele origin: germline.

Blueprint Genetics
Classification: Likely benign. Last evaluated: 2024-11-18. Review status: criteria provided, single submitter. Criteria: ACMG Guidelines, 2015. Collection method: clinical testing. Allele origin: germline.

Women's Health and Genetics/Laboratory Corporation of America, LabCorp
Classification: Likely benign. Last evaluated: 2023-12-03. Review status: criteria provided, single submitter. Criteria: LabCorp Variant Classification Summary - May 2015. Collection method: clinical testing. Allele origin: germline.

Ambry Genetics
Classification: Benign for Cardiovascular phenotype. Last evaluated: 2019-03-12. Review status: criteria provided, single submitter. Criteria: Ambry Variant Classification Scheme 2023. Collection method: clinical testing. Allele origin: germline.

GeneDx
Classification: Benign. Last evaluated: 2017-09-07. Review status: criteria provided, single submitter. Criteria: GeneDx Variant Classification (06012015). Collection method: clinical testing. Allele origin: germline. Affected: yes.
Comment: This variant is considered likely benign or benign based on one or more of the following criteria: it is a conservative change, it occurs at a poorly conserved position in the protein, it is predicted to be benign by multiple in silico algorithms, and/or has population frequency not consistent with disease.

Genetic Services Laboratory, University of Chicago
Classification: Benign. Last evaluated: 2017-08-31. Review status: criteria provided, single submitter. Criteria: ACMG Guidelines, 2015. Collection method: clinical testing. Allele origin: germline. Affected: no.

Eurofins Ntd Llc (ga)
Classification: Benign. Last evaluated: 2015-05-22. Review status: criteria provided, single submitter. Criteria: EGL Classification Definitions 2015. Collection method: clinical testing. Allele origin: germline. Observed: 1 variant allele, 1 heterozygote.

Breakthrough Genomics
Classification: Likely benign. Review status: criteria provided, single submitter. Criteria: ACMG Guidelines, 2015. Collection method: not provided. Allele origin: germline. Inheritance: Autosomal dominant inheritance. Affected: yes.

Clinical Genetics DNA and cytogenetics Diagnostics Lab, Erasmus MC, Erasmus Medical Center
Classification: Likely benign. Review status: no assertion criteria provided. Collection method: clinical testing. Allele origin: germline. Affected: yes. Study: VKGL Data-share Consensus. Not counted in ClinVar's aggregate classification.

Clinical Genetics, Academic Medical Center
Classification: Benign. Review status: no assertion criteria provided. Collection method: clinical testing. Allele origin: germline. Affected: yes. Study: VKGL Data-share Consensus. Not counted in ClinVar's aggregate classification.

Genome Diagnostics Laboratory, University Medical Center Utrecht
Classification: Benign. Review status: no assertion criteria provided. Collection method: clinical testing. Allele origin: germline. Affected: yes. Study: VKGL Data-share Consensus. Not counted in ClinVar's aggregate classification.

Joint Genome Diagnostic Labs from Nijmegen and Maastricht, Radboudumc and MUMC+
Classification: Benign. Review status: no assertion criteria provided. Collection method: clinical testing. Allele origin: germline. Affected: yes. Study: VKGL Data-share Consensus. Not counted in ClinVar's aggregate classification.

Laboratory of Diagnostic Genome Analysis, Leiden University Medical Center (LUMC)
Classification: Likely benign. Review status: no assertion criteria provided. Collection method: clinical testing. Allele origin: germline. Affected: yes. Study: VKGL Data-share Consensus. Not counted in ClinVar's aggregate classification.

Literature cited by the submitters: PubMed 25617006 (cited by Mayo Clinic Laboratories, Mayo Clinic); PubMed 25794656 (cited by Mayo Clinic Laboratories, Mayo Clinic); PubMed 28356264 (cited by Mayo Clinic Laboratories, Mayo Clinic); PubMed 32112656 (cited by Mayo Clinic Laboratories, Mayo Clinic); PubMed 33802723 (cited by Mayo Clinic Laboratories, Mayo Clinic); PubMed 37937776 (cited by Mayo Clinic Laboratories, Mayo Clinic).

NM_001458.5(FLNC):c.1577G>A (p.Arg526Gln)

Gene: FLNC (filamin C; plus strand). Cytogenetic location: 7q32.1.
Variant type: single nucleotide variant.
Coding change: c.1577G>A on transcript NM_001458.5 (MANE Select); coding-DNA position 1577, G replaced by A.
Protein change: p.Arg526Gln; replaces arginine 526 with glutamine.
Molecular consequence: missense variant.
Genome position (GRCh38, 1-based): chr7:128,840,575, G>A. VCF-style: chr7-128840575-G-A. GRCh37 (hg19) VCF-style: chr7-128480629-G-A.
Other names: p.Arg526Gln; c.1577G>A, p.Arg526Gln (NM_001127487.2); short protein forms R526Q.
Identifiers: ClinVar variation 193632 (VCV000193632.65), dbSNP rs34932223, ClinGen allele CA200695.